The following is an entry in ClinVar:

NM_001126108.2(SLC12A3):c.334G>T (p.Glu112Ter)

Gene: SLC12A3 (solute carrier family 12 member 3; plus strand). Cytogenetic location: 16q13.
Variant type: single nucleotide variant.
Coding change: c.334G>T on transcript NM_001126108.2 (MANE Select); coding-DNA position 334, G replaced by T.
Protein change: p.Glu112Ter; replaces glutamic acid 112 with a stop codon.
Molecular consequence: nonsense.
Genome position (GRCh38, 1-based): chr16:56,867,121, G>T. VCF-style: chr16-56867121-G-T. GRCh37 (hg19) VCF-style: chr16-56901033-G-T.
Other names: c.334G>T (NM_000339.2); c.334G>T, p.Glu112Ter (NM_000339.3); c.331G>T, p.Glu111Ter (NM_001126107.2); short protein forms E111*, E112*.
Identifiers: ClinVar variation 1075402 (VCV001075402.18), dbSNP rs200219778, ClinGen allele CA281493028.

ClinVar aggregate classification (germline): Pathogenic/Likely pathogenic. Review status: criteria provided, multiple submitters, no conflicts (2 of 4 stars). 5 submissions from 5 submitters: Pathogenic (3); Likely pathogenic (1). 1 of the submissions does not count toward it. Last evaluated 2025-02-26.

Conditions:
Familial hypokalemia-hypomagnesemia (GTLMNS). Also called: HYPOMAGNESEMIA-HYPOKALEMIA, PRIMARY RENOTUBULAR, WITH HYPOCALCIURIA; POTASSIUM AND MAGNESIUM DEPLETION; gitelman syndrome. Identifiers: Orphanet 358, MedGen C0268450, MONDO:0009904, OMIM 263800.
SLC12A3-related disorder. Also called: SLC12A3-related condition.

gnomAD v4.1: 20 of 1,613,916 alleles (0.0012%); highest among the groups gnomAD compares: Non-Finnish European, 0.0016%; no homozygotes.

Submissions (5):

Natera, Inc.
Classification: Pathogenic for Gitelman syndrome. Last evaluated: 2025-02-26. Review status: criteria provided, single submitter. Criteria: Natera Variant Classification Schema (03/2026). Collection method: clinical testing. Allele origin: germline.
Comment: The c.334G>T variant in SLC12A3 is a nonsense variant predicted to introduce a stop codon at amino acid 112. This variant is expected to result in nonsense mediated decay, truncation, or a dysfunctional protein product. This variant is rare in the general population with a frequency below the threshold expected for the associated phenotype(s). This variant has been observed in one or more individuals affected with the associated recessive disease, as either homozygous or compound heterozygous with a second variant (PMID: 11168953). Given the available evidence, this variant is classified as Pathogenic.

Blueprint Genetics
Classification: Likely pathogenic for SLC12A3-related disorders. Last evaluated: 2024-06-28. Review status: criteria provided, single submitter. Criteria: ACMG Guidelines, 2015. Collection method: clinical testing. Allele origin: germline. Affected: yes. Observed: 5 variant alleles.

Labcorp Genetics (formerly Invitae), Labcorp
Classification: Pathogenic. Last evaluated: 2023-09-29. Review status: criteria provided, single submitter. Criteria: Invitae Variant Classification Sherloc (09022015). Collection method: clinical testing. Allele origin: germline.
Comment: ClinVar contains an entry for this variant (Variation ID: 1075402). This sequence change creates a premature translational stop signal (p.Glu112*) in the SLC12A3 gene. It is expected to result in an absent or disrupted protein product. Loss-of-function variants in SLC12A3 are known to be pathogenic (PMID: 20848653, 22009145, 25841442). This variant is present in population databases (no rsID available, gnomAD 0.004%). This premature translational stop signal has been observed in individual(s) with Gitelman’s syndrome (PMID: 11168953). For these reasons, this variant has been classified as Pathogenic.

Fulgent Genetics
Classification: Pathogenic for Familial hypokalemia-hypomagnesemia. Last evaluated: 2021-09-05. Review status: criteria provided, single submitter. Criteria: ACMG Guidelines, 2015. Collection method: clinical testing. Allele origin: unknown.

Genomics England Pilot Project, Genomics England
Classification: Pathogenic for Familial hypokalemia-hypomagnesemia. Review status: no assertion criteria provided. Criteria: ACGS Guidelines, 2016. Collection method: clinical testing. Allele origin: germline. Affected: yes. Not counted in ClinVar's aggregate classification.

Literature cited by the submitters: PubMed 11168953 (cited by Natera, Inc. and Labcorp Genetics (formerly Invitae), Labcorp); PubMed 20848653 (cited by Labcorp Genetics (formerly Invitae), Labcorp); PubMed 22009145 (cited by Labcorp Genetics (formerly Invitae), Labcorp); PubMed 25841442 (cited by Labcorp Genetics (formerly Invitae), Labcorp).